The following is an entry in ClinVar:

NM_001458.5(FLNC):c.5670G>A (p.Gly1890=)

Genes: FLNC (filamin C; plus strand), FLNC-AS1 (FLNC antisense RNA 1; minus strand). Cytogenetic location: 7q32.1.
Variant type: single nucleotide variant.
Coding change: c.5670G>A on transcript NM_001458.5 (MANE Select); coding-DNA position 5670, G replaced by A.
Protein change: p.Gly1890=; no amino-acid change (glycine 1890 retained).
Molecular consequence: synonymous variant. On other transcripts: non-coding transcript variant (1).
Genome position (GRCh38, 1-based): chr7:128,851,456, G>A. VCF-style: chr7-128851456-G-A. GRCh37 (hg19) VCF-style: chr7-128491510-G-A.
Other names: c.5571G>A, p.Gly1857= (NM_001127487.2).
Identifiers: ClinVar variation 707521 (VCV000707521.15), dbSNP rs369881758, ClinGen allele CA166188957.

ClinVar aggregate classification (germline): Conflicting classifications of pathogenicity. Review status: criteria provided, conflicting classifications (1 of 4 stars). 4 submissions from 4 submitters: Uncertain significance (2); Likely benign (2). Last evaluated 2026-07-25.

Conditions:
FLNC-related disorder. Also called: FLNC-related disorders; FLNC-related condition.
Myofibrillar myopathy 5. Also called: Filaminopathy (type); FILAMINOPATHY, AUTOSOMAL DOMINANT. Identifiers: Orphanet 171445, MedGen C1836050, MONDO:0012289, OMIM 609524.
Distal myopathy with posterior leg and anterior hand involvement. Also called: WILLIAMS DISTAL MYOPATHY. Identifiers: Orphanet 63273, MedGen C3279722, MONDO:0013550, OMIM 614065.
Hypertrophic cardiomyopathy 26. Also called: Cardiomyopathy, familial hypertrophic, 26. Identifiers: Orphanet 75249, MedGen C4310749, MONDO:0014883, OMIM 617047.
Cardiovascular phenotype. Identifiers: MedGen CN230736.

Allele frequency attached by ClinVar (database versions not stated): gnomAD exomes below 0.00001 and 0.00001; gnomAD 0.00001; TOPMed 0.00001; ESP Exome Variant Server 0.00008.
gnomAD v4.1: 12 of 1,613,856 alleles (0.00074%); highest among the groups gnomAD compares: Non-Finnish European, 0.00093%; no homozygotes.

Submissions (4):

PreventionGenetics, part of Exact Sciences
Classification: Uncertain significance for FLNC-related condition. Last evaluated: 2026-07-25. Review status: criteria provided, single submitter. Criteria: ACMG Guidelines, 2015. Collection method: clinical testing. Allele origin: germline.
Comment: The FLNC c.5670G>A variant is not predicted to result in an amino acid change (p.=). This variant is predicted to alter splicing based on available splicing prediction programs (SpliceAI, Jaganathan et al. 2019. PubMed ID: 30661751). However, the use of computer prediction programs is not equivalent to functional evidence. To our knowledge, this variant has not been reported in the literature. This variant is reported in 0.00088% of alleles in individuals of European (Non-Finnish) descent in gnomAD. At this time, the clinical significance of this variant is uncertain due to the absence of conclusive functional and genetic evidence.

Labcorp Genetics (formerly Invitae), Labcorp
Classification: Likely benign for Distal myopathy with posterior leg and anterior hand involvement; Myofibrillar myopathy 5; Hypertrophic cardiomyopathy 26. Last evaluated: 2025-12-20. Review status: criteria provided, single submitter. Criteria: Invitae Variant Classification Sherloc (09022015). Collection method: clinical testing. Allele origin: germline.

Ambry Genetics
Classification: Uncertain significance for Cardiovascular phenotype. Last evaluated: 2022-07-18. Review status: criteria provided, single submitter. Criteria: Ambry Variant Classification Scheme 2023. Collection method: clinical testing. Allele origin: germline.
Comment: The c.5670G>A variant (also known as p.G1890G), located in coding exon 35 of the FLNC gene, results from a G to A substitution at nucleotide position 5670. This nucleotide substitution does not change the glycine at codon 1890. This nucleotide position is not well conserved in available vertebrate species. In silico splice site analysis for this alteration is inconclusive. Since supporting evidence is limited at this time, the clinical significance of this alteration remains unclear.

Phosphorus, Inc.
Classification: Likely benign. Last evaluated: 2022-01-18. Review status: criteria provided, single submitter. Criteria: ACMG Guidelines, 2015. Collection method: clinical testing. Allele origin: germline. Inheritance: Autosomal dominant inheritance.
Comment: This synonymous variant is a silent variation that is not predicted to change the amino acid sequence of the protein and has occurred in gnomAD with a total MAF of 0.0004% and with the highest MAF of 0.0009% in the European population. This variant has been reported in ClinVar (707521) NM_001458.5(FLNC):c.5670G>A (p.Gly1890=). This position is not conserved. In silico splicing algorithms predicted no impact on splicing (dbscSNV= 0.09799). The variant has not occurred in the literature in the association with the disease. Considering it is a synonymous change that does not have an apparent effect on RNA splicing machinery, the variant has been classified as Likely Benign.